The following is an entry in ClinVar:

NM_001004334.4(GPR179):c.37T>A (p.Trp13Arg)

Gene: GPR179 (G protein-coupled receptor 179; minus strand). Cytogenetic location: 17q12.
Variant type: single nucleotide variant.
Coding change: c.37T>A on transcript NM_001004334.4 (MANE Select); coding-DNA position 37, T replaced by A.
Protein change: p.Trp13Arg; replaces tryptophan 13 with arginine.
Molecular consequence: missense variant.
Genome position (GRCh38, 1-based): chr17:38,343,753, A>T on the plus strand (T>A on the coding strand, the complement: GPR179 is on the minus strand). VCF-style: chr17-38343753-A-T. GRCh37 (hg19) VCF-style: chr17-36499636-A-T.
Other names: short protein forms W13R.
Identifiers: ClinVar variation 2088906 (VCV002088906.4), dbSNP rs2037473587, ClinGen allele CA398890040.

ClinVar aggregate classification (germline): Uncertain significance (1 of 4 stars; one submission).

Submission:

Labcorp Genetics (formerly Invitae), Labcorp
Classification: Uncertain significance. Last evaluated: 2022-01-21. Review status: criteria provided, single submitter. Criteria: Invitae Variant Classification Sherloc (09022015). Collection method: clinical testing. Allele origin: germline.
Comment: In summary, the available evidence is currently insufficient to determine the role of this variant in disease. Therefore, it has been classified as a Variant of Uncertain Significance. Algorithms developed to predict the effect of missense changes on protein structure and function output the following: SIFT: "Tolerated"; PolyPhen-2: "Benign"; Align-GVGD: "Class C0". The arginine amino acid residue is found in multiple mammalian species, which suggests that this missense change does not adversely affect protein function. This variant has not been reported in the literature in individuals affected with GPR179-related conditions. This variant is not present in population databases (gnomAD no frequency). This sequence change replaces tryptophan, which is neutral and slightly polar, with arginine, which is basic and polar, at codon 13 of the GPR179 protein (p.Trp13Arg).